The following is an entry in ClinVar:

ClinVar aggregate classification (germline): Likely pathogenic (1 of 4 stars; one submission).

Conditions:
Neuropathy, hereditary sensory and autonomic, type 2A (HSAN2A). Also called: ACROOSTEOLYSIS, GIACCAI TYPE; ACROOSTEOLYSIS, NEUROGENIC; MORVAN DISEASE; NEUROPATHY, CONGENITAL SENSORY; NEUROPATHY, HEREDITARY SENSORY RADICULAR, AUTOSOMAL RECESSIVE; NEUROPATHY, HEREDITARY SENSORY, TYPE IIA. Identifiers: Orphanet 970, MedGen C2752089, MONDO:0024309, OMIM 201300.
Pseudohypoaldosteronism type 2C (PHA2C). Also called: Pseudohypoaldosteronism Type IIC. Identifiers: Orphanet 757, Orphanet 88940, MedGen C1840391, MONDO:0013778, OMIM 614492.

gnomAD v4.1: 14 of 1,613,672 alleles (0.00087%); highest among the groups gnomAD compares: Non-Finnish European, 0.0012%; no homozygotes.

Submission:

Labcorp Genetics (formerly Invitae), Labcorp
Classification: Likely pathogenic for Neuropathy, hereditary sensory and autonomic, type 2A; Pseudohypoaldosteronism type 2C. Last evaluated: 2025-06-24. Review status: criteria provided, single submitter. Criteria: Invitae Variant Classification Sherloc (09022015). Collection method: clinical testing. Allele origin: germline.
Comment: This sequence change affects an acceptor splice site in intron 9 of the WNK1 gene. It is expected to disrupt RNA splicing. Variants that disrupt the donor or acceptor splice site typically lead to a loss of protein function (PMID: 16199547), and loss-of-function variants in WNK1 are known to be pathogenic (PMID: 22910560). This variant is present in population databases (rs770216307, gnomAD no frequency). This variant has not been reported in the literature in individuals affected with WNK1-related conditions. Algorithms developed to predict the effect of sequence changes on RNA splicing suggest that this variant may disrupt the consensus splice site. In summary, the currently available evidence indicates that the variant is pathogenic, but additional data are needed to prove that conclusively. Therefore, this variant has been classified as Likely Pathogenic.

Literature cited by the submitters: PubMed 16199547; PubMed 22910560.

NM_213655.5(WNK1):c.2395-1G>A

Gene: WNK1 (WNK lysine deficient protein kinase 1; plus strand). Cytogenetic location: 12p13.33.
Variant type: single nucleotide variant.
Coding change: c.2395-1G>A on transcript NM_213655.5 (MANE Plus Clinical); the canonical splice acceptor site of the intron before coding-DNA position 2395, G replaced by A.
Molecular consequence: splice acceptor variant. On other transcripts: intron variant (2).
Genome position (GRCh38, 1-based): chr12:867,865, G>A. VCF-style: chr12-867865-G-A. GRCh37 (hg19) VCF-style: chr12-977031-G-A.
Other names: c.2140-1G>A (NM_001184985.2); c.2140-3400G>A (NM_018979.4, NM_014823.3).
Identifiers: ClinVar variation 4793998 (VCV004793998.1).